The following is an entry in ClinVar:

NM_182961.4(SYNE1):c.17434G>A (p.Ala5812Thr)

Genes: SYNE1 (spectrin repeat containing nuclear envelope protein 1; minus strand), LOC129997480 (ATAC-STARR-seq lymphoblastoid active region 25287; plus strand). Cytogenetic location: 6q25.2.
Variant type: single nucleotide variant.
Coding change: c.17434G>A on transcript NM_182961.4 (MANE Select); coding-DNA position 17434, G replaced by A.
Protein change: p.Ala5812Thr; replaces alanine 5812 with threonine.
Molecular consequence: missense variant.
Genome position (GRCh38, 1-based): chr6:152,301,976, C>T on the plus strand (G>A on the coding strand, the complement: SYNE1 is on the minus strand). VCF-style: chr6-152301976-C-T. GRCh37 (hg19) VCF-style: chr6-152623111-C-T.
Other names: c.17221G>A, p.Ala5741Thr (NM_033071.5); short protein forms A5741T, A5812T.
Identifiers: ClinVar variation 983509 (VCV000983509.7), dbSNP rs775815795, ClinGen allele CA4055229.

ClinVar aggregate classification (germline): Uncertain significance. Review status: criteria provided, multiple submitters, no conflicts (2 of 4 stars). 2 submissions from 2 submitters: Uncertain significance (2). Last evaluated 2022-03-08.

Conditions:
Autosomal recessive ataxia, Beauce type. Also called: Spinocerebellar ataxia, autosomal recessive 8; ATAXIA, RECESSIVE, OF BEAUCE; SYNE1-Related Autosomal Recessive Cerebellar Ataxia; SYNE1 Deficiency. Identifiers: Orphanet 88644, MedGen C1853116, MONDO:0012549, OMIM 610743.
Emery-Dreifuss muscular dystrophy 4, autosomal dominant (EDMD4). Also called: EMERY-DREIFUSS MUSCULAR DYSTROPHY 4 WITH VARIABLE FEATURES. Identifiers: Orphanet 261, MedGen C2751807, MONDO:0013071, OMIM 612998.

Allele frequency attached by ClinVar (database versions not stated): ExAC 0.00001; gnomAD exomes 0.00001; TOPMed 0.00002.
gnomAD v4.1: 10 of 1,614,238 alleles (0.00062%); highest among the groups gnomAD compares: Non-Finnish European, 0.00059%; no homozygotes.

Submissions (2):

Labcorp Genetics (formerly Invitae), Labcorp
Classification: Uncertain significance for Emery-Dreifuss muscular dystrophy 4, autosomal dominant; Autosomal recessive ataxia, Beauce type. Last evaluated: 2022-03-08. Review status: criteria provided, single submitter. Criteria: Invitae Variant Classification Sherloc (09022015). Collection method: clinical testing. Allele origin: germline.
Comment: This sequence change replaces alanine, which is neutral and non-polar, with threonine, which is neutral and polar, at codon 5741 of the SYNE1 protein (p.Ala5741Thr). This variant is present in population databases (rs775815795, gnomAD 0.004%). This variant has not been reported in the literature in individuals affected with SYNE1-related conditions. ClinVar contains an entry for this variant (Variation ID: 983509). Algorithms developed to predict the effect of missense changes on protein structure and function (SIFT, PolyPhen-2, Align-GVGD) all suggest that this variant is likely to be disruptive. In summary, the available evidence is currently insufficient to determine the role of this variant in disease. Therefore, it has been classified as a Variant of Uncertain Significance.

Johns Hopkins Genomics, Johns Hopkins University
Classification: Uncertain significance for Autosomal recessive ataxia, Beauce type. Last evaluated: 2020-11-03. Review status: criteria provided, single submitter. Criteria: ACMG Guidelines, 2015. Collection method: clinical testing. Allele origin: germline.

Literature cited by the submitters: PubMed 27086870 (cited by Johns Hopkins Genomics, Johns Hopkins University); PubMed 27178001 (cited by Johns Hopkins Genomics, Johns Hopkins University).